The following is an entry in ClinVar:

NM_001367873.1(SOX6):c.913G>A (p.Val305Ile)

Gene: SOX6 (SRY-box transcription factor 6; minus strand). Cytogenetic location: 11p15.2.
Variant type: single nucleotide variant.
Coding change: c.913G>A on transcript NM_001367873.1 (MANE Select); coding-DNA position 913, G replaced by A.
Protein change: p.Val305Ile; replaces valine 305 with isoleucine.
Molecular consequence: missense variant.
Genome position (GRCh38, 1-based): chr11:16,097,674, C>T on the plus strand (G>A on the coding strand, the complement: SOX6 is on the minus strand). VCF-style: chr11-16097674-C-T. GRCh37 (hg19) VCF-style: chr11-16119220-C-T.
Other names: c.913G>A, p.Val305Ile (NM_001145811.2, NM_001145819.2, NM_001367872.1 and 2 more transcripts); short protein forms V305I.
Identifiers: ClinVar variation 2403052 (VCV002403052.3), dbSNP rs745532158, ClinGen allele CA5898301.

ClinVar aggregate classification (germline): Uncertain significance. Review status: criteria provided, multiple submitters, no conflicts (2 of 4 stars). 2 submissions from 2 submitters: Uncertain significance (2). Last evaluated 2025-10-09.

Conditions:
Inborn genetic diseases. Identifiers: MedGen C0950123, MeSH D030342.

Allele frequency attached by ClinVar (database versions not stated): gnomAD 0.00001; gnomAD exomes 0.00001; TOPMed 0.00001; ExAC 0.00002.
gnomAD v4.1: 19 of 1,610,644 alleles (0.0012%); highest among the groups gnomAD compares: South Asian, 0.0044%; 1 homozygote.

Submissions (2):

Labcorp Genetics (formerly Invitae), Labcorp
Classification: Uncertain significance. Last evaluated: 2025-10-09. Review status: criteria provided, single submitter. Criteria: Invitae Variant Classification Sherloc (09022015). Collection method: clinical testing. Allele origin: germline.
Comment: This sequence change replaces valine, which is neutral and non-polar, with isoleucine, which is neutral and non-polar, at codon 305 of the SOX6 protein (p.Val305Ile). This variant is present in population databases (rs745532158, gnomAD 0.002%). This variant has not been reported in the literature in individuals affected with SOX6-related conditions. ClinVar contains an entry for this variant (Variation ID: 2403052). Invitae Evidence Modeling of protein sequence and biophysical properties (such as structural, functional, and spatial information, amino acid conservation, physicochemical variation, residue mobility, and thermodynamic stability) indicates that this missense variant is not expected to disrupt SOX6 protein function with a negative predictive value of 80%. In summary, the available evidence is currently insufficient to determine the role of this variant in disease. Therefore, it has been classified as a Variant of Uncertain Significance.

Ambry Genetics
Classification: Uncertain significance for Inborn genetic diseases. Last evaluated: 2022-02-17. Review status: criteria provided, single submitter. Criteria: Ambry Variant Classification Scheme 2023. Collection method: clinical testing. Allele origin: germline.